The following is an entry in ClinVar:

ClinVar aggregate classification (germline): Uncertain significance. Review status: criteria provided, multiple submitters, no conflicts (2 of 4 stars). 2 submissions from 2 submitters: Uncertain significance (2). Last evaluated 2021-11-22.

Conditions:
Ehlers-Danlos syndrome, classic type, 1 (EDSCL1). Also called: EHLERS-DANLOS SYNDROME, GRAVIS TYPE; EHLERS-DANLOS SYNDROME, SEVERE CLASSIC TYPE; Ehlers-Danlos syndrome, type 1; EDS I; Ehlers-Danlos Syndrome, Classic Type, COL5A1-Related. Identifiers: MedGen C0268335, MONDO:0019567, OMIM 130000.

Allele frequency attached by ClinVar (database versions not stated): gnomAD 0.00001.
gnomAD v4.1: 1 of 1,613,344 alleles (0.000062%); highest among the groups gnomAD compares: Non-Finnish European, 0.000085%; no homozygotes.

Submissions (2):

Labcorp Genetics (formerly Invitae), Labcorp
Classification: Uncertain significance for Ehlers-Danlos syndrome, classic type, 1. Last evaluated: 2021-11-22. Review status: criteria provided, single submitter. Criteria: Invitae Variant Classification Sherloc (09022015). Collection method: clinical testing. Allele origin: germline.
Comment: In summary, the available evidence is currently insufficient to determine the role of this variant in disease. Therefore, it has been classified as a Variant of Uncertain Significance. Advanced modeling of protein sequence and biophysical properties (such as structural, functional, and spatial information, amino acid conservation, physicochemical variation, residue mobility, and thermodynamic stability) performed at Invitae indicates that this missense variant is not expected to disrupt COL5A1 protein function. ClinVar contains an entry for this variant (Variation ID: 1320829). This variant has not been reported in the literature in individuals affected with COL5A1-related conditions. This variant is not present in population databases (gnomAD no frequency). This sequence change replaces glutamic acid, which is acidic and polar, with glutamine, which is neutral and polar, at codon 843 of the COL5A1 protein (p.Glu843Gln).

GeneDx
Classification: Uncertain significance. Last evaluated: 2019-05-07. Review status: criteria provided, single submitter. Criteria: GeneDx Variant Classification Process June 2021. Collection method: clinical testing. Allele origin: germline. Affected: yes.
Comment: Has not been previously published as pathogenic or benign to our knowledge; Not observed in large population cohorts (Lek et al., 2016); In silico analysis, which includes protein predictors and evolutionary conservation, supports a deleterious effect; Occurs in the triple helical domain at the Y position in the canonical Gly-X-Y repeat; although this variant may have an effect on normal protein folding and function, missense substitution at the Y position is not a common mechanism of disease

NM_000093.5(COL5A1):c.2527G>C (p.Glu843Gln)

Gene: COL5A1 (collagen type V alpha 1 chain; plus strand). Cytogenetic location: 9q34.3.
Variant type: single nucleotide variant.
Coding change: c.2527G>C on transcript NM_000093.5 (MANE Select); coding-DNA position 2527, G replaced by C.
Protein change: p.Glu843Gln; replaces glutamic acid 843 with glutamine.
Molecular consequence: missense variant.
Genome position (GRCh38, 1-based): chr9:134,785,031, G>C. VCF-style: chr9-134785031-G-C. GRCh37 (hg19) VCF-style: chr9-137676877-G-C.
Other names: c.2527G>C, p.Glu843Gln (NM_001278074.1); short protein forms E843Q.
Identifiers: ClinVar variation 1320829 (VCV001320829.7), dbSNP rs1837405294, ClinGen allele CA375454388.